The following is an entry in ClinVar:

NM_001845.6(COL4A1):c.97G>T (p.Gly33Cys)

Gene: COL4A1 (collagen type IV alpha 1 chain; minus strand). Cytogenetic location: 13q34.
Variant type: single nucleotide variant.
Coding change: c.97G>T on transcript NM_001845.6 (MANE Select); coding-DNA position 97, G replaced by T.
Protein change: p.Gly33Cys; replaces glycine 33 with cysteine.
Molecular consequence: missense variant.
Genome position (GRCh38, 1-based): chr13:110,242,722, C>A on the plus strand (G>T on the coding strand, the complement: COL4A1 is on the minus strand). VCF-style: chr13-110242722-C-A. GRCh37 (hg19) VCF-style: chr13-110895069-C-A.
Other names: c.97G>T, p.Gly33Cys (NM_001303110.2); short protein forms G33C.
Identifiers: ClinVar variation 1714911 (VCV001714911.5), dbSNP rs2501683081, ClinGen allele CA388731555.

ClinVar aggregate classification (germline): Uncertain significance (1 of 4 stars; one submission).

Submission:

Labcorp Genetics (formerly Invitae), Labcorp
Classification: Uncertain significance. Last evaluated: 2022-11-08. Review status: criteria provided, single submitter. Criteria: Invitae Variant Classification Sherloc (09022015). Collection method: clinical testing. Allele origin: germline.
Comment: Advanced modeling of protein sequence and biophysical properties (such as structural, functional, and spatial information, amino acid conservation, physicochemical variation, residue mobility, and thermodynamic stability) performed at Invitae indicates that this missense variant is not expected to disrupt COL4A1 protein function. This variant has not been reported in the literature in individuals affected with COL4A1-related conditions. This variant is not present in population databases (gnomAD no frequency). This sequence change replaces glycine, which is neutral and non-polar, with cysteine, which is neutral and slightly polar, at codon 33 of the COL4A1 protein (p.Gly33Cys). In summary, the available evidence is currently insufficient to determine the role of this variant in disease. Therefore, it has been classified as a Variant of Uncertain Significance.